The following is an entry in ClinVar:

ClinVar aggregate classification (germline): Uncertain significance. Review status: criteria provided, multiple submitters, no conflicts (2 of 4 stars). 2 submissions from 2 submitters: Uncertain significance (2). Last evaluated 2023-05-24.

Conditions:
Inborn genetic diseases. Identifiers: MedGen C0950123, MeSH D030342.

Allele frequency attached by ClinVar (database versions not stated): TOPMed 0.00001.

Submissions (2):

Ambry Genetics
Classification: Uncertain significance for Inborn genetic diseases. Last evaluated: 2023-05-24. Review status: criteria provided, single submitter. Criteria: Ambry Variant Classification Scheme 2023. Collection method: clinical testing. Allele origin: germline.

GeneDx
Classification: Uncertain significance. Last evaluated: 2019-06-26. Review status: criteria provided, single submitter. Criteria: GeneDx Variant Classification Process June 2021. Collection method: clinical testing. Allele origin: germline. Affected: yes.
Comment: Not observed in large population cohorts (Lek et al., 2016); In silico analysis, which includes protein predictors and evolutionary conservation, supports a deleterious effect; Has not been previously published as pathogenic or benign to our knowledge

NM_021120.4(DLG3):c.1490G>A (p.Arg497Gln)

Gene: DLG3 (discs large MAGUK scaffold protein 3; plus strand). Cytogenetic location: Xq13.1.
Variant type: single nucleotide variant.
Coding change: c.1490G>A on transcript NM_021120.4 (MANE Select); coding-DNA position 1490, G replaced by A.
Protein change: p.Arg497Gln; replaces arginine 497 with glutamine.
Molecular consequence: missense variant.
Genome position (GRCh38, 1-based): chrX:70,479,234, G>A. VCF-style: chrX-70479234-G-A. GRCh37 (hg19) VCF-style: chrX-69699084-G-A.
Other names: c.41G>A, p.Arg14Gln (NM_001166278.2); c.479G>A, p.Arg160Gln (NM_020730.3); c.1490G>A (NM_021120.3); short protein forms R14Q, R160Q, R497Q.
Identifiers: ClinVar variation 1302228 (VCV001302228.4), dbSNP rs987095691, ClinGen allele CA330971606.
Genomic context (GRCh38, chrX:70,479,234, plus strand): 5'-TACATGACTTACGAGAACAAATGATGAACAGCAGCATGAGCTCTGGGTCTGGGTCCCTCC[G>A]AACAAGTGAAAAGAGGTCCTTGTATGTCAGGTAAGTTGCCCTTCAGAGCACTAGCCCTTG-3'
Protein context (NP_066943.2, residues 487-507): SSMSSGSGSL[Arg497Gln]TSEKRSLYVR